The following is an entry in ClinVar:

NM_006421.5(ARFGEF1):c.4907T>C (p.Phe1636Ser)

Gene: ARFGEF1 (ARF guanine nucleotide exchange factor 1; minus strand). Cytogenetic location: 8q13.2.
Variant type: single nucleotide variant.
Coding change: c.4907T>C on transcript NM_006421.5 (MANE Select); coding-DNA position 4907, T replaced by C.
Protein change: p.Phe1636Ser; replaces phenylalanine 1636 with serine.
Molecular consequence: missense variant. On other transcripts: non-coding transcript variant (1), intron variant (2).
Genome position (GRCh38, 1-based): chr8:67,204,732, A>G on the plus strand (T>C on the coding strand, the complement: ARFGEF1 is on the minus strand). VCF-style: chr8-67204732-A-G. GRCh37 (hg19) VCF-style: chr8-68116967-A-G.
Other names: c.4907T>C, p.Phe1636Ser (NM_001413184.1, NM_001413187.1, NM_001413194.1); c.4889T>C, p.Phe1630Ser (NM_001413185.1, NM_001413186.1, NM_001413189.1); c.4307T>C, p.Phe1436Ser (NM_001413188.1, NM_001413197.1); c.4901T>C, p.Phe1634Ser (NM_001413190.1); c.4289T>C, p.Phe1430Ser (NM_001413193.1); c.3482T>C, p.Phe1161Ser (NM_001413196.1); c.4802-9T>C (NM_001413192.1); c.4820-9T>C (NM_001413191.1); short protein forms F1161S, F1430S, F1436S, F1630S, F1634S, F1636S.
Identifiers: ClinVar variation 2658637 (VCV002658637.24), dbSNP rs2491192774, ClinGen allele CA371210129.

ClinVar aggregate classification (germline): Uncertain significance (1 of 4 stars; one submission).

Allele frequency attached by ClinVar (database versions not stated): gnomAD exomes below 0.00001.
gnomAD v4.1: 1 of 1,613,876 alleles (0.000062%); highest among the groups gnomAD compares: Non-Finnish European, 0.000085%; no homozygotes.

Submission:

CeGaT Center for Human Genetics Tuebingen
Classification: Uncertain significance. Last evaluated: 2023-09-01. Review status: criteria provided, single submitter. Criteria: CeGaT Center For Human Genetics Tuebingen Variant Classification Criteria Version 2. Collection method: clinical testing. Allele origin: germline. Affected: yes. Observed: 1 variant allele.
Comment: ARFGEF1: PM2, PP2